The following is an entry in ClinVar:

ClinVar aggregate classification (germline): Uncertain significance. Review status: criteria provided, multiple submitters, no conflicts (2 of 4 stars). 2 submissions from 2 submitters: Uncertain significance (2). Last evaluated 2025-08-26.

Conditions:
Inborn genetic diseases. Identifiers: MedGen C0950123, MeSH D030342.
Peroxisome biogenesis disorder, complementation group 7 (CG7). Also called: Peroxisome biogenesis disorder, complementation group B. Identifiers: MedGen C1864399.

Submissions (2):

Ambry Genetics
Classification: Uncertain significance for Inborn genetic diseases. Last evaluated: 2025-08-26. Review status: criteria provided, single submitter. Criteria: Ambry Variant Classification Scheme 2023. Collection method: clinical testing. Allele origin: germline.

Labcorp Genetics (formerly Invitae), Labcorp
Classification: Uncertain significance for Peroxisome biogenesis disorder, complementation group 7. Last evaluated: 2022-08-09. Review status: criteria provided, single submitter. Criteria: Invitae Variant Classification Sherloc (09022015). Collection method: clinical testing. Allele origin: germline.
Comment: This sequence change replaces arginine, which is basic and polar, with serine, which is neutral and polar, at codon 285 of the PEX10 protein (p.Arg285Ser). This variant is not present in population databases (gnomAD no frequency). This variant has not been reported in the literature in individuals affected with PEX10-related conditions. ClinVar contains an entry for this variant (Variation ID: 955429). Algorithms developed to predict the effect of missense changes on protein structure and function (SIFT, PolyPhen-2, Align-GVGD) all suggest that this variant is likely to be tolerated. In summary, the available evidence is currently insufficient to determine the role of this variant in disease. Therefore, it has been classified as a Variant of Uncertain Significance.

NM_002617.4(PEX10):c.795A>C (p.Arg265Ser)

Gene: PEX10 (peroxisomal biogenesis factor 10; minus strand). Cytogenetic location: 1p36.32.
Variant type: single nucleotide variant.
Coding change: c.795A>C on transcript NM_002617.4 (MANE Select); coding-DNA position 795, A replaced by C.
Protein change: p.Arg265Ser; replaces arginine 265 with serine.
Molecular consequence: missense variant. On other transcripts: non-coding transcript variant (1).
Genome position (GRCh38, 1-based): chr1:2,406,601, T>G on the plus strand (A>C on the coding strand, the complement: PEX10 is on the minus strand). VCF-style: chr1-2406601-T-G. GRCh37 (hg19) VCF-style: chr1-2338040-T-G.
Other names: c.852A>C, p.Arg284Ser (NM_001374425.1); c.420A>C, p.Arg140Ser (NM_001374426.1); c.363A>C, p.Arg121Ser (NM_001374427.1); c.855A>C, p.Arg285Ser (NM_153818.2); short protein forms R140S, R284S, R265S, R285S, R121S.
Identifiers: ClinVar variation 955429 (VCV000955429.5), dbSNP rs1643011506, ClinGen allele CA337984727.